The following is an entry in ClinVar:

NM_198576.4(AGRN):c.5615G>A (p.Arg1872Gln)

Gene: AGRN (agrin; plus strand). Cytogenetic location: 1p36.33.
Variant type: single nucleotide variant.
Coding change: c.5615G>A on transcript NM_198576.4 (MANE Select); coding-DNA position 5615, G replaced by A.
Protein change: p.Arg1872Gln; replaces arginine 1872 with glutamine.
Molecular consequence: missense variant.
Genome position (GRCh38, 1-based): chr1:1,051,779, G>A. VCF-style: chr1-1051779-G-A. GRCh37 (hg19) VCF-style: chr1-987159-G-A.
Other names: c.5627G>A, p.Arg1876Gln (NM_001305275.2); c.5312G>A, p.Arg1771Gln (NM_001364727.2); short protein forms R1872Q, R1771Q, R1876Q.
Identifiers: ClinVar variation 388957 (VCV000388957.8), dbSNP rs767076670, ClinGen allele CA510109.

ClinVar aggregate classification (germline): Uncertain significance. Review status: criteria provided, multiple submitters, no conflicts (2 of 4 stars). 2 submissions from 2 submitters: Uncertain significance (2). Last evaluated 2024-04-10.

Conditions:
Congenital myasthenic syndrome 8. Also called: MYASTHENIC SYNDROME, CONGENITAL, DUE TO AGRIN DEFICIENCY; Myasthenic syndrome, congenital, 8, with pre- and postsynaptic defects. Identifiers: Orphanet 590, MedGen C3808739, MONDO:0014052, OMIM 615120.

Allele frequency attached by ClinVar (database versions not stated): gnomAD 0.00003; TOPMed 0.00003; ExAC 0.00003.
gnomAD v4.1: 52 of 1,613,734 alleles (0.0032%); highest among the groups gnomAD compares: South Asian, 0.0088%; no homozygotes.

Submissions (2):

Labcorp Genetics (formerly Invitae), Labcorp
Classification: Uncertain significance for Congenital myasthenic syndrome 8. Last evaluated: 2024-04-10. Review status: criteria provided, single submitter. Criteria: Invitae Variant Classification Sherloc (09022015). Collection method: clinical testing. Allele origin: germline.
Comment: This sequence change replaces arginine, which is basic and polar, with glutamine, which is neutral and polar, at codon 1872 of the AGRN protein (p.Arg1872Gln). The frequency data for this variant in the population databases is considered unreliable, as metrics indicate poor data quality at this position in the gnomAD database. This variant has not been reported in the literature in individuals affected with AGRN-related conditions. ClinVar contains an entry for this variant (Variation ID: 388957). Algorithms developed to predict the effect of missense changes on protein structure and function output the following: SIFT: "Not Available"; PolyPhen-2: "Benign"; Align-GVGD: "Not Available". The glutamine amino acid residue is found in multiple mammalian species, which suggests that this missense change does not adversely affect protein function. In summary, the available evidence is currently insufficient to determine the role of this variant in disease. Therefore, it has been classified as a Variant of Uncertain Significance.

GeneDx
Classification: Uncertain significance. Last evaluated: 2022-10-24. Review status: criteria provided, single submitter. Criteria: GeneDx Variant Classification Process June 2021. Collection method: clinical testing. Allele origin: germline. Affected: yes.
Comment: Not observed at significant frequency in large population cohorts (gnomAD); In silico analysis supports that this missense variant does not alter protein structure/function; Has not been previously published as pathogenic or benign to our knowledge